The following is an entry in ClinVar:

ClinVar aggregate classification (germline): Likely benign. Review status: criteria provided, multiple submitters, no conflicts (2 of 4 stars). 2 submissions from 2 submitters: Likely benign (2). Last evaluated 2025-10-06.

Conditions:
Tuberous sclerosis 1 (TSC1). Identifiers: Orphanet 805, MedGen C1854465, MONDO:0008612, OMIM 191100.

Allele frequency attached by ClinVar (database versions not stated): gnomAD exomes below 0.00001; TOPMed below 0.00001.
gnomAD v4.1: 1 of 1,614,036 alleles (0.000062%); highest among the groups gnomAD compares: Admixed American, 0.0017%; no homozygotes.

Submissions (2):

Labcorp Genetics (formerly Invitae), Labcorp
Classification: Likely benign for Tuberous sclerosis 1. Last evaluated: 2025-10-06. Review status: criteria provided, single submitter. Criteria: Invitae Variant Classification Sherloc (09022015). Collection method: clinical testing. Allele origin: germline.

Myriad Genetics, Inc.
Classification: Likely benign for Tuberous sclerosis 1. Last evaluated: 2025-04-08. Review status: criteria provided, single submitter. Criteria: Myriad Autosomal Dominant, Autosomal Recessive and X-Linked Classification Criteria (2023). Collection method: clinical testing. Allele origin: unknown.
Comment: This variant is considered likely benign. This variant is intronic and is not expected to impact mRNA splicing.

NM_000368.5(TSC1):c.738-9A>G

Gene: TSC1 (TSC complex subunit 1; minus strand). Cytogenetic location: 9q34.13.
Variant type: single nucleotide variant.
Coding change: c.738-9A>G on transcript NM_000368.5 (MANE Select); 9 bases into the intron before coding-DNA position 738, A replaced by G.
Molecular consequence: intron variant.
Genome position (GRCh38, 1-based): chr9:132,912,466, T>C on the plus strand (A>G on the coding strand, the complement: TSC1 is on the minus strand). VCF-style: chr9-132912466-T-C. GRCh37 (hg19) VCF-style: chr9-135787853-T-C.
Other names: c.375-9A>G (NM_001362177.2); c.585-9A>G (NM_001162427.2); c.738-9A>G (NM_001162426.2).
Identifiers: ClinVar variation 1096777 (VCV001096777.10), dbSNP rs1846021685, ClinGen allele CA1882417972.